The following is an entry in ClinVar:

NM_004434.3(EML1):c.2313G>A (p.Ser771=)

Genes: EML1 (EMAP like 1; plus strand), LOC126862047 (BRD4-independent group 4 enhancer GRCh37_chr14:100405395-100406594; plus strand). Cytogenetic location: 14q32.2.
Variant type: single nucleotide variant.
Coding change: c.2313G>A on transcript NM_004434.3 (MANE Select); coding-DNA position 2313, G replaced by A.
Protein change: p.Ser771=; no amino-acid change (serine 771 retained).
Molecular consequence: synonymous variant.
Genome position (GRCh38, 1-based): chr14:99,939,318, G>A. VCF-style: chr14-99939318-G-A. GRCh37 (hg19) VCF-style: chr14-100405655-G-A.
Other names: c.2370G>A, p.Ser790= (NM_001008707.2); c.2274G>A, p.Ser758= (NM_001375411.1); c.2181G>A, p.Ser727= (NM_001375412.1).
Identifiers: ClinVar variation 2644516 (VCV002644516.25), dbSNP rs770758489, ClinGen allele CA7342915.

ClinVar aggregate classification (germline): Likely benign. Review status: criteria provided, multiple submitters, no conflicts (2 of 4 stars). 2 submissions from 2 submitters: Likely benign (2). Last evaluated 2022-05-01.

Allele frequency attached by ClinVar (database versions not stated): gnomAD 0.00001; ExAC 0.00002.
gnomAD v4.1: 18 of 1,614,098 alleles (0.0011%); highest among the groups gnomAD compares: East Asian, 0.0067%; no homozygotes.

Submissions (2):

CeGaT Center for Human Genetics Tuebingen
Classification: Likely benign. Last evaluated: 2022-05-01. Review status: criteria provided, single submitter. Criteria: CeGaT Center For Human Genetics Tuebingen Variant Classification Criteria Version 2. Collection method: clinical testing. Allele origin: germline. Affected: yes. Observed: 1 variant allele.
Comment: EML1: BP4, BP7

Blueprint Genetics
Classification: Likely benign. Last evaluated: 2019-06-28. Review status: criteria provided, single submitter. Criteria: ACMG Guidelines, 2015. Collection method: clinical testing. Allele origin: germline.